The following is an entry in ClinVar:

ClinVar aggregate classification (germline): Uncertain significance. Review status: criteria provided, multiple submitters, no conflicts (2 of 4 stars). 3 submissions from 3 submitters: Uncertain significance (3). Last evaluated 2025-09-21.

Conditions:
Neuroblastoma, susceptibility to, 3. Also called: ALK-Related Neuroblastic Tumor Susceptibility. Identifiers: Orphanet 635, MedGen C2751681, MONDO:0013083, OMIM 613014.
ALK-related disorder. Also called: ALK-related condition.
Hereditary cancer-predisposing syndrome. Also called: Hereditary neoplastic syndrome; Neoplastic Syndromes, Hereditary; Tumor predisposition; Hereditary Cancer Syndrome. Identifiers: Orphanet 140162, MedGen C0027672, MeSH D009386, MONDO:0015356.

Allele frequency attached by ClinVar (database versions not stated): gnomAD exomes below 0.00001; gnomAD 0.00001; TOPMed 0.00001.
gnomAD v4.1: 6 of 1,614,014 alleles (0.00037%); highest among the groups gnomAD compares: Non-Finnish European, 0.00051%; no homozygotes.

Submissions (3):

Labcorp Genetics (formerly Invitae), Labcorp
Classification: Uncertain significance for Neuroblastoma, susceptibility to, 3. Last evaluated: 2025-09-21. Review status: criteria provided, single submitter. Criteria: Invitae Variant Classification Sherloc (09022015). Collection method: clinical testing. Allele origin: germline.
Comment: This sequence change replaces phenylalanine, which is neutral and non-polar, with tyrosine, which is neutral and polar, at codon 1271 of the ALK protein (p.Phe1271Tyr). This variant is not present in population databases (gnomAD no frequency). This variant has not been reported in the literature in individuals affected with ALK-related conditions. ClinVar contains an entry for this variant (Variation ID: 470848). An algorithm developed to predict the effect of missense changes on protein structure and function (PolyPhen-2) suggests that this variant is likely to be disruptive. In summary, the available evidence is currently insufficient to determine the role of this variant in disease. Therefore, it has been classified as a Variant of Uncertain Significance.

Ambry Genetics
Classification: Uncertain significance for Hereditary cancer-predisposing syndrome. Last evaluated: 2024-08-09. Review status: criteria provided, single submitter. Criteria: Ambry Variant Classification Scheme 2023. Collection method: clinical testing. Allele origin: germline.
Comment: The p.F1271Y variant (also known as c.3812T>A), located in coding exon 25 of the ALK gene, results from a T to A substitution at nucleotide position 3812. The phenylalanine at codon 1271 is replaced by tyrosine, an amino acid with highly similar properties. This amino acid position is highly conserved in available vertebrate species. In addition, this alteration is predicted to be deleterious by in silico analysis. Based on the available evidence, the clinical significance of this variant remains unclear.

PreventionGenetics, part of Exact Sciences
Classification: Uncertain significance for ALK-related condition. Last evaluated: 2023-09-12. Review status: criteria provided, single submitter. Criteria: ACMG Guidelines, 2015. Collection method: clinical testing. Allele origin: germline.
Comment: The ALK c.3812T>A variant is predicted to result in the amino acid substitution p.Phe1271Tyr. To our knowledge, this variant has not been reported in the literature or in a large population database, indicating this variant is rare. At this time, the clinical significance of this variant is uncertain due to the absence of conclusive functional and genetic evidence.

NM_004304.5(ALK):c.3812T>A (p.Phe1271Tyr)

Gene: ALK (ALK receptor tyrosine kinase; minus strand). Cytogenetic location: 2p23.2.
Variant type: single nucleotide variant.
Coding change: c.3812T>A on transcript NM_004304.5 (MANE Select); coding-DNA position 3812, T replaced by A.
Protein change: p.Phe1271Tyr; replaces phenylalanine 1271 with tyrosine.
Molecular consequence: missense variant.
Genome position (GRCh38, 1-based): chr2:29,209,810, A>T on the plus strand (T>A on the coding strand, the complement: ALK is on the minus strand). VCF-style: chr2-29209810-A-T. GRCh37 (hg19) VCF-style: chr2-29432676-A-T.
Other names: c.608T>A, p.Phe203Tyr (NM_001353765.2); short protein forms F1271Y, F203Y.
Identifiers: ClinVar variation 470848 (VCV000470848.13), dbSNP rs1348950153, ClinGen allele CA346469613.